The following is an entry in ClinVar:

NM_000051.4(ATM):c.743G>A (p.Arg248Gln)

Gene: ATM (ATM serine/threonine kinase; plus strand). Cytogenetic location: 11q22.3.
Variant type: single nucleotide variant.
Coding change: c.743G>A on transcript NM_000051.4 (MANE Select); coding-DNA position 743, G replaced by A.
Protein change: p.Arg248Gln; replaces arginine 248 with glutamine.
Molecular consequence: missense variant.
Genome position (GRCh38, 1-based): chr11:108,244,868, G>A. VCF-style: chr11-108244868-G-A. GRCh37 (hg19) VCF-style: chr11-108115595-G-A.
Other names: c.743G>A, p.Arg248Gln (NM_001351834.2); short protein forms R248Q.
Identifiers: ClinVar variation 479015 (VCV000479015.24), dbSNP rs769166447, ClinGen allele CA6264677.

ClinVar aggregate classification (germline): Uncertain significance. Review status: criteria provided, multiple submitters, no conflicts (2 of 4 stars). 9 submissions from 9 submitters: Uncertain significance (8). 1 of the submissions does not count toward it. Last evaluated 2026-01-25.

Conditions:
Hereditary cancer. Identifiers: MedGen C1333600.
Hereditary cancer-predisposing syndrome. Also called: Tumor predisposition; Neoplastic Syndromes, Hereditary; Hereditary Cancer Syndrome; Hereditary neoplastic syndrome. Identifiers: Orphanet 140162, MedGen C0027672, MeSH D009386, MONDO:0015356.
Familial cancer of breast. Also called: BREAST CANCER, FAMILIAL; Hereditary breast cancer; hereditary breast carcinoma. Identifiers: Orphanet 227535, MedGen C0346153, MONDO:0016419, OMIM 114480. Disease mechanism: loss of function.
Ataxia-telangiectasia syndrome (AT). Also called: Cerebello-oculocutaneous telangiectasia; Immunodeficiency with ataxia telangiectasia; ATAXIA-TELANGIECTASIA, COMPLEMENTATION GROUP A; Ataxia-telangiectasia, complementation group D; AT, COMPLEMENTATION GROUP C; ATAXIA-TELANGIECTASIA, FRESNO VARIANT. Identifiers: Orphanet 100, MedGen C0004135, MONDO:0008840, OMIM 208900.

Allele frequency attached by ClinVar (database versions not stated): ExAC 0.00001; TOPMed 0.00001.
gnomAD v4.1: 11 of 1,613,696 alleles (0.00068%); highest among the groups gnomAD compares: South Asian, 0.0011%; no homozygotes.

Submissions (9):

Labcorp Genetics (formerly Invitae), Labcorp
Classification: Uncertain significance for Ataxia-telangiectasia syndrome. Last evaluated: 2026-01-25. Review status: criteria provided, single submitter. Criteria: Invitae Variant Classification Sherloc (09022015). Collection method: clinical testing. Allele origin: germline.
Comment: This sequence change replaces arginine, which is basic and polar, with glutamine, which is neutral and polar, at codon 248 of the ATM protein (p.Arg248Gln). This variant is present in population databases (rs769166447, gnomAD 0.003%). This missense change has been observed in individual(s) with colorectal cancer (PMID: 37323311). ClinVar contains an entry for this variant (Variation ID: 479015). Invitae Evidence Modeling of protein sequence and biophysical properties (such as structural, functional, and spatial information, amino acid conservation, physicochemical variation, residue mobility, and thermodynamic stability) indicates that this missense variant is not expected to disrupt ATM protein function with a negative predictive value of 95%. In summary, the available evidence is currently insufficient to determine the role of this variant in disease. Therefore, it has been classified as a Variant of Uncertain Significance.

Mendelics
Classification: Uncertain significance for Hereditary cancer. Last evaluated: 2025-02-26. Review status: criteria provided, single submitter. Criteria: ACMG Guidelines, 2015. Collection method: clinical testing. Allele origin: unknown.
Comment: The available evidence is insufficient to conclusively determine the role of this variant. Therefore, it is classified as a Variant of Uncertain Significance.

Ambry Genetics
Classification: Uncertain significance for Hereditary cancer-predisposing syndrome. Last evaluated: 2025-02-14. Review status: criteria provided, single submitter. Criteria: Ambry Variant Classification Scheme 2023. Collection method: clinical testing. Allele origin: germline.
Comment: The p.R248Q variant (also known as c.743G>A), located in coding exon 6 of the ATM gene, results from a G to A substitution at nucleotide position 743. The arginine at codon 248 is replaced by glutamine, an amino acid with highly similar properties. This amino acid position is highly conserved in available vertebrate species. In addition, the in silico prediction for this alteration is inconclusive. Based on the available evidence, the clinical significance of this variant remains unclear.

Baylor Genetics
Classification: Uncertain significance for Familial cancer of breast. Last evaluated: 2023-11-29. Review status: criteria provided, single submitter. Criteria: ACMG Guidelines, 2015. Collection method: clinical testing. Allele origin: unknown.

Neuberg Centre For Genomic Medicine, NCGM
Classification: Uncertain significance for Familial cancer of breast. Last evaluated: 2023-05-20. Review status: criteria provided, single submitter. Criteria: ACMG Guidelines, 2015. Collection method: clinical testing. Allele origin: germline. Inheritance: Autosomal dominant inheritance. Affected: yes.
Comment: The observed missense variant c.743G>A (p.Arg248Gln) in the ATM gene has not been reported previously as a pathogenic variant nor as a benign variant, to our knowledge. This variant is reported with the allele frequency 0.001% in the gnomAD Exomes. This variant has been reported to the ClinVar database as Uncertain Significance by multiple submitters. However, no details are available for independent assessment. The amino acid Arginine at position 248 is changed to a Glutamine changing protein sequence and it might alter its composition and physico- chemical properties. Multiple lines of computational evidence (Polyphen - Probably damaging, SIFT - Damaging and MutationTaster - Disease causing) predict a damaging effect on protein structure and function for this variant. The residue is conserved by GERP++ and PhyloP across 100 vertebrates. For these reasons, this variant has been classified as Uncertain Significance.

MGZ Medical Genetics Center
Classification: Uncertain significance for Familial cancer of breast. Last evaluated: 2021-11-17. Review status: criteria provided, single submitter. Criteria: ACMG Guidelines, 2015. Collection method: clinical testing. Allele origin: germline. Affected: yes. Observed: 1 variant allele.
Comment: ACMG criteria applied: PM2_SUP, BP4

Athena Diagnostics
Classification: Uncertain significance. Last evaluated: 2020-11-10. Review status: criteria provided, single submitter. Criteria: Athena Diagnostics criteria. Collection method: clinical testing. Allele origin: unknown.

Color Diagnostics, LLC DBA Color Health
Classification: Uncertain significance for Hereditary cancer-predisposing syndrome. Last evaluated: 2019-03-26. Review status: criteria provided, single submitter. Criteria: ACMG Guidelines, 2015. Collection method: clinical testing. Allele origin: germline.

Natera, Inc.
Classification: Uncertain significance for Ataxia-telangiectasia. Last evaluated: 2020-09-16. Review status: no assertion criteria provided. Collection method: clinical testing. Allele origin: germline. Not counted in ClinVar's aggregate classification.

Literature cited by the submitters: PubMed 37323311 (cited by Labcorp Genetics (formerly Invitae), Labcorp); PubMed 24120321 (cited by Ambry Genetics).